The following is an entry in ClinVar:

ClinVar aggregate classification (germline): Pathogenic. Review status: criteria provided, multiple submitters, no conflicts (2 of 4 stars). 6 submissions from 6 submitters: Pathogenic (6). Last evaluated 2025-11-01.

Conditions:
PKD2-related disorder. Also called: PKD2-related condition.
Autosomal dominant polycystic kidney disease. Identifiers: Orphanet 730, MedGen C0085413, MONDO:0004691.
Polycystic kidney disease 2 (PKD2). Also called: POLYCYSTIC KIDNEY DISEASE, ADULT, TYPE II; POLYCYSTIC KIDNEY DISEASE 2 WITH OR WITHOUT POLYCYSTIC LIVER DISEASE; Polycystic Kidney Disease 2, Autosomal Dominant. Identifiers: MedGen C2751306, MONDO:0013131, OMIM 613095.

Submissions (6):

CeGaT Center for Human Genetics Tuebingen
Classification: Pathogenic. Last evaluated: 2025-11-01. Review status: criteria provided, single submitter. Criteria: CeGaT Center For Human Genetics Tuebingen Variant Classification Criteria Version 2. Collection method: clinical testing. Allele origin: germline. Affected: yes. Observed: 1 variant allele.
Comment: PKD2: PVS1, PS4, PM2

Fulgent Genetics
Classification: Pathogenic for Polycystic kidney disease 2. Last evaluated: 2024-03-06. Review status: criteria provided, single submitter. Criteria: ACMG Guidelines, 2015. Collection method: clinical testing. Allele origin: germline.

Department of Pathology and Laboratory Medicine, Sinai Health System
Classification: Pathogenic for Polycystic kidney disease 2. Last evaluated: 2023-04-12. Review status: criteria provided, single submitter. Criteria: ACMG Guidelines, 2015. Collection method: clinical testing. Allele origin: germline. Affected: yes.

Blueprint Genetics
Classification: Pathogenic for PKD2-related disorders. Last evaluated: 2021-02-05. Review status: criteria provided, single submitter. Criteria: ACMG Guidelines, 2015. Collection method: clinical testing. Allele origin: germline. Affected: yes. Observed: 1 variant allele.

Labcorp Genetics (formerly Invitae), Labcorp
Classification: Pathogenic for Autosomal dominant polycystic kidney disease. Last evaluated: 2021-01-04. Review status: criteria provided, single submitter. Criteria: Invitae Variant Classification Sherloc (09022015). Collection method: clinical testing. Allele origin: germline.
Comment: This variant is not present in population databases (ExAC no frequency). This sequence change creates a premature translational stop signal (p.Ser701Argfs*9) in the PKD2 gene. It is expected to result in an absent or disrupted protein product. Loss-of-function variants in PKD2 are known to be pathogenic (PMID: 17582161, 22863349). This variant has been observed in individual(s) with clinical features of autosomal dominant polycystic kidney disease, type 2 (PMID: 23300259, 030712878). ClinVar contains an entry for this variant (Variation ID: 618323). For these reasons, this variant has been classified as Pathogenic.

ARUP Laboratories, Molecular Genetics and Genomics, ARUP Laboratories
Classification: Pathogenic. Last evaluated: 2017-10-10. Review status: criteria provided, single submitter. Criteria: ARUP Molecular Germline Variant Investigation Process. Collection method: clinical testing. Allele origin: germline.

Literature cited by the submitters: PubMed 23300259 (cited by Department of Pathology and Laboratory Medicine, Sinai Health System and Labcorp Genetics (formerly Invitae), Labcorp); PubMed 17582161 (cited by Labcorp Genetics (formerly Invitae), Labcorp); PubMed 22863349 (cited by Labcorp Genetics (formerly Invitae), Labcorp); PubMed 030712878 (cited by Labcorp Genetics (formerly Invitae), Labcorp).

NM_000297.4(PKD2):c.2101_2102del (p.Ser701fs)

Gene: PKD2 (polycystin 2, transient receptor potential cation channel; plus strand). Cytogenetic location: 4q22.1.
Variant type: Microsatellite.
Coding change: c.2101_2102del on transcript NM_000297.4 (MANE Select); coding-DNA positions 2101 to 2102, 2 bases deleted (TC; older notation c.2101_2102delTC).
Protein change: p.Ser701fs; shifts the reading frame from serine 701.
Molecular consequence: frameshift variant. On other transcripts: non-coding transcript variant (1).
Genome position (GRCh38, 1-based): chr4:88,061,987-88,061,988, TC deleted; deleting any 2 consecutive bases within chr4:88,061,984-88,061,988 gives the same sequence; the c. name uses the placement nearest the transcript's 3' end. VCF-style (leftmost placement, unchanged base first): chr4-88061983-ACT-A. GRCh37 (hg19) VCF-style: chr4-88983135-ACT-A.
Other names: short protein forms S701fs.
Identifiers: ClinVar variation 618323 (VCV000618323.25), dbSNP rs1578144898, ClinGen allele CA913189890.
Genomic context (GRCh38, chr4:88,061,983, plus strand): 5'-CATCAATGATACTTACTCTGAAGTGAAATCTGACTTGGCACAGCAGAAAGCTGAAATGGA[ACT>A]CTCAGATCTTATCAGAAAGGTAGGAAAAACCTTAATTCTCAGAATTCTTCTGTTTCTGAC-3'